The following is an entry in ClinVar:

ClinVar aggregate classification (germline): Likely pathogenic (1 of 4 stars; one submission).

Allele frequency attached by ClinVar (database versions not stated): ExAC 0.00001; gnomAD 0.00001; gnomAD exomes 0.00001.

Submission:

Labcorp Genetics (formerly Invitae), Labcorp
Classification: Likely pathogenic. Last evaluated: 2023-12-13. Review status: criteria provided, single submitter. Criteria: Invitae Variant Classification Sherloc (09022015). Collection method: clinical testing. Allele origin: germline.
Comment: This sequence change replaces alanine, which is neutral and non-polar, with valine, which is neutral and non-polar, at codon 211 of the NDUFV1 protein (p.Ala211Val). This variant is present in population databases (rs763530690, gnomAD 0.01%). This missense change has been observed in individuals with clinical features of NDUFV1-related conditions (PMID: 11978607, 23562761, 28639102, 32348839, 35094435). Advanced modeling of protein sequence and biophysical properties (such as structural, functional, and spatial information, amino acid conservation, physicochemical variation, residue mobility, and thermodynamic stability) has been performed at Invitae for this missense variant, however the output from this modeling did not meet the statistical confidence thresholds required to predict the impact of this variant on NDUFV1 protein function. In summary, the currently available evidence indicates that the variant is pathogenic, but additional data are needed to prove that conclusively. Therefore, this variant has been classified as Likely Pathogenic.

Literature cited by the submitters: PubMed 11978607; PubMed 23562761; PubMed 28639102; PubMed 32348839; PubMed 35094435.

NM_007103.4(NDUFV1):c.632C>T (p.Ala211Val)

Gene: NDUFV1 (NADH:ubiquinone oxidoreductase core subunit V1; plus strand). Cytogenetic location: 11q13.2.
Variant type: single nucleotide variant.
Coding change: c.632C>T on transcript NM_007103.4 (MANE Select); coding-DNA position 632, C replaced by T.
Protein change: p.Ala211Val; replaces alanine 211 with valine.
Molecular consequence: missense variant.
Genome position (GRCh38, 1-based): chr11:67,610,502, C>T. VCF-style: chr11-67610502-C-T. GRCh37 (hg19) VCF-style: chr11-67377973-C-T.
Other names: c.605C>T, p.Ala202Val (NM_001166102.2); short protein forms A202V, A211V.
Identifiers: ClinVar variation 2735677 (VCV002735677.3), dbSNP rs763530690, ClinGen allele CA6143227.